The following is an entry in ClinVar:

ClinVar aggregate classification (germline): Uncertain significance (1 of 4 stars; one submission).

gnomAD v4.1: 6 of 1,613,920 alleles (0.00037%); highest among the groups gnomAD compares: African/African-American, 0.0027%; no homozygotes.

Submission:

Labcorp Genetics (formerly Invitae), Labcorp
Classification: Uncertain significance. Last evaluated: 2025-01-06. Review status: criteria provided, single submitter. Criteria: Invitae Variant Classification Sherloc (09022015). Collection method: clinical testing. Allele origin: germline.
Comment: This sequence change replaces aspartic acid, which is acidic and polar, with asparagine, which is neutral and polar, at codon 4377 of the FAT1 protein (p.Asp4377Asn). This variant is present in population databases (rs776855582, gnomAD 0.003%). This missense change has been observed in individual(s) with FAT1-related conditions (PMID: 26489027). An algorithm developed to predict the effect of missense changes on protein structure and function (PolyPhen-2) suggests that this variant is likely to be disruptive. In summary, the available evidence is currently insufficient to determine the role of this variant in disease. Therefore, it has been classified as a Variant of Uncertain Significance.

Literature cited by the submitters: PubMed 26489027.

NM_005245.4(FAT1):c.13129G>A (p.Asp4377Asn)

Gene: FAT1 (FAT atypical cadherin 1; minus strand). Cytogenetic location: 4q35.2.
Variant type: single nucleotide variant.
Coding change: c.13129G>A on transcript NM_005245.4 (MANE Select); coding-DNA position 13129, G replaced by A.
Protein change: p.Asp4377Asn; replaces aspartic acid 4377 with asparagine.
Molecular consequence: missense variant.
Genome position (GRCh38, 1-based): chr4:186,595,698, C>T on the plus strand (G>A on the coding strand, the complement: FAT1 is on the minus strand). VCF-style: chr4-186595698-C-T. GRCh37 (hg19) VCF-style: chr4-187516852-C-T.
Other names: short protein forms D4377N.
Identifiers: ClinVar variation 3720607 (VCV003720607.2).